The following is an entry in ClinVar:

NM_014974.3(DIP2C):c.2582G>A (p.Arg861His)

Gene: DIP2C (DIP2 acetate--CoA ligase C (putative); minus strand). Cytogenetic location: 10p15.3.
Variant type: single nucleotide variant.
Coding change: c.2582G>A on transcript NM_014974.3 (MANE Select); coding-DNA position 2582, G replaced by A.
Protein change: p.Arg861His; replaces arginine 861 with histidine.
Molecular consequence: missense variant.
Genome position (GRCh38, 1-based): chr10:363,207, C>T on the plus strand (G>A on the coding strand, the complement: DIP2C is on the minus strand). VCF-style: chr10-363207-C-T. GRCh37 (hg19) VCF-style: chr10-409147-C-T.
Other names: short protein forms R861H.
Identifiers: ClinVar variation 3502057 (VCV003502057.2).
Genomic context (GRCh38, chr10:363,207, plus strand): 5'-GGCCAGAAACAAGACACAGGGGACCAGTGCCCAGGGCGAGGGAGGGCAACCTGCAGCACA[C>T]GGCTCATCCACTGGAAACTGTCCTCTTCCGTGGAGTCAGGCCTCTGCTCAGCCACGATCA-3'
Protein context (NP_055789.1, residues 851-871): TEEDSFQWMS[Arg861His]VLQAIDSIHQ

ClinVar aggregate classification (germline): Uncertain significance. Review status: criteria provided, multiple submitters, no conflicts (2 of 4 stars). 2 submissions from 2 submitters: Uncertain significance (2). Last evaluated 2025-02-23.

Conditions:
Inborn genetic diseases. Identifiers: MedGen C0950123, MeSH D030342.

gnomAD v4.1: 38 of 1,613,356 alleles (0.0024%); highest among the groups gnomAD compares: Admixed American, 0.012%; no homozygotes.

Submissions (2):

Labcorp Genetics (formerly Invitae), Labcorp
Classification: Uncertain significance. Last evaluated: 2025-02-23. Review status: criteria provided, single submitter. Criteria: Invitae Variant Classification Sherloc (09022015). Collection method: clinical testing. Allele origin: germline.
Comment: This sequence change replaces arginine, which is basic and polar, with histidine, which is basic and polar, at codon 861 of the DIP2C protein (p.Arg861His). This variant is present in population databases (rs200146316, gnomAD 0.003%). This variant has not been reported in the literature in individuals affected with DIP2C-related conditions. ClinVar contains an entry for this variant (Variation ID: 3502057). An algorithm developed to predict the effect of missense changes on protein structure and function (PolyPhen-2) suggests that this variant is likely to be disruptive. In summary, the available evidence is currently insufficient to determine the role of this variant in disease. Therefore, it has been classified as a Variant of Uncertain Significance.

Ambry Genetics
Classification: Uncertain significance for Inborn genetic diseases. Last evaluated: 2024-10-16. Review status: criteria provided, single submitter. Criteria: Ambry Variant Classification Scheme 2023. Collection method: clinical testing. Allele origin: germline.